The following is an entry in ClinVar:

NM_005732.4(RAD50):c.3839del (p.Ser1280fs)

Genes: TH2LCRR (T helper type 2 locus control region associated RNA; minus strand), RAD50 (RAD50 double strand break repair protein; plus strand). Cytogenetic location: 5q31.1.
Variant type: Deletion.
Coding change: c.3839del on transcript NM_005732.4 (MANE Select); coding-DNA position 3839, one base deleted (C; older notation c.3839delC).
Protein change: p.Ser1280fs; shifts the reading frame from serine 1280.
Molecular consequence: frameshift variant. On other transcripts: non-coding transcript variant (1).
Genome position (GRCh38, 1-based): chr5:132,642,264, C deleted. VCF-style (leftmost placement, unchanged base first): chr5-132642263-TC-T. GRCh37 (hg19) VCF-style: chr5-131977955-TC-T.
Other names: short protein forms S1280fs.
Identifiers: ClinVar variation 2565925 (VCV002565925.2), dbSNP rs2479440363, ClinGen allele CA2580612772.
Genomic context (GRCh38, chr5:132,642,263, plus strand): 5'-CGTAACTTCCAGCTTCTGGTAATCACTCATGATGAAGATTTTGTGGAGCTTTTAGGACGT[TC>T]TGAATATGTGGAGAAATTCTACAGGATTAAAAAGAACATCGATCAGTGCTCAGAGATTGT-3'

ClinVar aggregate classification (germline): Uncertain significance (1 of 4 stars; one submission).

Conditions:
Hereditary cancer-predisposing syndrome. Also called: Neoplastic Syndromes, Hereditary; Hereditary Cancer Syndrome; Hereditary neoplastic syndrome; Tumor predisposition. Identifiers: Orphanet 140162, MedGen C0027672, MeSH D009386, MONDO:0015356.

Submission:

Ambry Genetics
Classification: Uncertain significance for Hereditary cancer-predisposing syndrome. Last evaluated: 2023-03-22. Review status: criteria provided, single submitter. Criteria: Ambry Variant Classification Scheme 2023. Collection method: clinical testing. Allele origin: germline.
Comment: The c.3839delC variant, located in coding exon 25 of the RAD50 gene, results from a deletion of one nucleotide at nucleotide position 3839, causing a translational frameshift with a predicted alternate stop codon (p.S1280Lfs*21). This alteration occurs at the 3' terminus of theRAD50 gene, is not expected to trigger nonsense-mediated mRNAdecay, and only impacts the last 33 amino acids of the protein. This variant is considered to be rare based on population cohorts in the Genome Aggregation Database (gnomAD). The exact functional effect of this alteration is unknown. Since supporting evidence is limited at this time, the clinical significance of this alteration remains unclear.